The following is an entry in ClinVar:

NM_001378120.1(MBD5):c.513G>A (p.Met171Ile)

Gene: MBD5 (methyl-CpG binding domain protein 5; plus strand). Cytogenetic location: 2q23.1.
Variant type: single nucleotide variant.
Coding change: c.513G>A on transcript NM_001378120.1 (MANE Select); coding-DNA position 513, G replaced by A.
Protein change: p.Met171Ile; replaces methionine 171 with isoleucine.
Molecular consequence: missense variant.
Genome position (GRCh38, 1-based): chr2:148,468,456, G>A. VCF-style: chr2-148468456-G-A. GRCh37 (hg19) VCF-style: chr2-149226025-G-A.
Other names: c.513G>A, p.Met171Ile (NM_018328.5); short protein forms M171I.
Identifiers: ClinVar variation 1486874 (VCV001486874.6), dbSNP rs1301707163, ClinGen allele CA348716958.

ClinVar aggregate classification (germline): Uncertain significance (1 of 4 stars; one submission).

Conditions:
Intellectual developmental disorder, autosomal dominant 1. Also called: Intellectual disability, autosomal dominant 1; MBD5 Haploinsufficiency. Identifiers: Orphanet 228402, MedGen C1969562, MONDO:0007974, OMIM 156200.

Allele frequency attached by ClinVar (database versions not stated): gnomAD exomes below 0.00001; TOPMed below 0.00001.

Submission:

Labcorp Genetics (formerly Invitae), Labcorp
Classification: Uncertain significance for Intellectual developmental disorder, autosomal dominant 1. Last evaluated: 2021-09-20. Review status: criteria provided, single submitter. Criteria: Invitae Variant Classification Sherloc (09022015). Collection method: clinical testing. Allele origin: germline.
Comment: This sequence change replaces methionine with isoleucine at codon 171 of the MBD5 protein (p.Met171Ile). The methionine residue is highly conserved and there is a small physicochemical difference between methionine and isoleucine. This variant is not present in population databases (ExAC no frequency). This variant has not been reported in the literature in individuals affected with MBD5-related conditions. Algorithms developed to predict the effect of missense changes on protein structure and function are either unavailable or do not agree on the potential impact of this missense change (SIFT: "Deleterious"; PolyPhen-2: "Benign"; Align-GVGD: "Class C0"). In summary, the available evidence is currently insufficient to determine the role of this variant in disease. Therefore, it has been classified as a Variant of Uncertain Significance.